The following is an entry in ClinVar:

ClinVar aggregate classification (germline): Uncertain significance. Review status: criteria provided, multiple submitters, no conflicts (2 of 4 stars). 3 submissions from 3 submitters: Uncertain significance (2). 1 of the submissions does not count toward it. Last evaluated 2026-01-14.

Conditions:
C1S-related disorder. Also called: C1S-related condition.
Inborn genetic diseases. Identifiers: MedGen C0950123, MeSH D030342.

Allele frequency attached by ClinVar (database versions not stated): gnomAD exomes 0.00001 and 0.00002; ExAC 0.00002; gnomAD 0.00004; TOPMed 0.00004.

Submissions (3):

Labcorp Genetics (formerly Invitae), Labcorp
Classification: Uncertain significance. Last evaluated: 2026-01-14. Review status: criteria provided, single submitter. Criteria: Invitae Variant Classification Sherloc (09022015). Collection method: clinical testing. Allele origin: germline.
Comment: This sequence change replaces proline, which is neutral and non-polar, with leucine, which is neutral and non-polar, at codon 416 of the C1S protein (p.Pro416Leu). This variant is present in population databases (rs782291560, gnomAD 0.01%). This variant has not been reported in the literature in individuals affected with C1S-related conditions. ClinVar contains an entry for this variant (Variation ID: 1351213). Invitae Evidence Modeling of protein sequence and biophysical properties (such as structural, functional, and spatial information, amino acid conservation, physicochemical variation, residue mobility, and thermodynamic stability) indicates that this missense variant is not expected to disrupt C1S protein function with a negative predictive value of 80%. In summary, the available evidence is currently insufficient to determine the role of this variant in disease. Therefore, it has been classified as a Variant of Uncertain Significance.

Ambry Genetics
Classification: Uncertain significance for Inborn genetic diseases. Last evaluated: 2024-09-26. Review status: criteria provided, single submitter. Criteria: Ambry Variant Classification Scheme 2023. Collection method: clinical testing. Allele origin: germline.

PreventionGenetics, part of Exact Sciences
Classification: Uncertain significance for C1S-related condition. Last evaluated: 2024-04-25. Review status: no assertion criteria provided. Collection method: clinical testing. Allele origin: germline. Not counted in ClinVar's aggregate classification.
Comment: The C1S c.1247C>T variant is predicted to result in the amino acid substitution p.Pro416Leu. To our knowledge, this variant has not been reported in the literature. This variant is reported in 0.012% of alleles in individuals of African descent in gnomAD. At this time, the clinical significance of this variant is uncertain due to the absence of conclusive functional and genetic evidence.

NM_001734.5(C1S):c.1247C>T (p.Pro416Leu)

Gene: C1S (complement C1s; plus strand). Cytogenetic location: 12p13.31.
Variant type: single nucleotide variant.
Coding change: c.1247C>T on transcript NM_001734.5 (MANE Select); coding-DNA position 1247, C replaced by T.
Protein change: p.Pro416Leu; replaces proline 416 with leucine.
Molecular consequence: missense variant.
Genome position (GRCh38, 1-based): chr12:7,068,507, C>T. VCF-style: chr12-7068507-C-T. GRCh37 (hg19) VCF-style: chr12-7175811-C-T.
Other names: c.1247C>T (NM_201442.3, NM_201442.2); c.746C>T, p.Pro249Leu (NM_001346850.2); c.1247C>T, p.Pro416Leu (NM_201442.4); short protein forms P249L, P416L.
Identifiers: ClinVar variation 1351213 (VCV001351213.10), dbSNP rs782291560, ClinGen allele CA6423734.